The following is an entry in ClinVar:

ClinVar aggregate classification (germline): Pathogenic (1 of 4 stars; one submission).

Conditions:
Leber congenital amaurosis (LCA). Also called: Leber's amaurosis. Identifiers: Orphanet 65, MedGen C0339527, MeSH D057130, MONDO:0018998.

Submission:

Ophthalmic Genetics Group, Institute of Molecular and Clinical Ophthalmology Basel
Classification: Pathogenic for Leber congenital amaurosis. Last evaluated: 2023-07-24. Review status: criteria provided, single submitter. Criteria: ACMG Guidelines, 2015. Collection method: research. Allele origin: germline. Affected: yes. Observed: 1 variant allele.
Comment: Clinical significance based on ACMG v2.0

This variant was classified as Pathogenic based on ACMG criteria: PVS1, PM2.

Literature cited by the submitters: PubMed 36909829.

NM_201253.3(CRB1):c.3626_3627del (p.Val1209fs)

Gene: CRB1 (crumbs cell polarity complex component 1; plus strand). Cytogenetic location: 1q31.3.
Variant type: Microsatellite.
Coding change: c.3626_3627del on transcript NM_201253.3 (MANE Select); coding-DNA positions 3626 to 3627, 2 bases deleted (TG; older notation c.3626_3627delTG).
Protein change: p.Val1209fs; shifts the reading frame from valine 1209.
Molecular consequence: frameshift variant. On other transcripts: non-coding transcript variant (2), intron variant (1).
Genome position (GRCh38, 1-based): chr1:197,435,489-197,435,490, TG deleted; deleting any 2 consecutive bases within chr1:197,435,486-197,435,490 gives the same sequence; the c. name uses the placement nearest the transcript's 3' end. VCF-style (leftmost placement, unchanged base first): chr1-197435485-GGT-G. GRCh37 (hg19) VCF-style: chr1-197404615-GGT-G.
Other names: NC_000001.10:g.197404619_197404620del; NP_957705.1:p.(Val1209GlufsTer3); c.3290_3291del, p.Val1097fs (NM_001193640.2); c.3554_3555del, p.Val1185fs (NM_001257965.2); c.2129-111_2129-110del (NM_001257966.2); short protein forms V1097fs, V1185fs, V1209fs.
Identifiers: ClinVar variation 2577511 (VCV002577511.2), dbSNP rs2528204450, ClinGen allele CA2580617433.